The following is an entry in ClinVar:

ClinVar aggregate classification (germline): Uncertain significance. Review status: criteria provided, multiple submitters, no conflicts (2 of 4 stars). 2 submissions from 2 submitters: Uncertain significance (2). Last evaluated 2025-11-02.

Conditions:
Inborn genetic diseases. Identifiers: MedGen C0950123, MeSH D030342.

Allele frequency attached by ClinVar (database versions not stated): gnomAD 0.00002 and 0.00003; ExAC 0.00003; gnomAD exomes 0.00004; TOPMed 0.00004.
gnomAD v4.1: 62 of 1,613,746 alleles (0.0038%); highest among the groups gnomAD compares: East Asian, 0.016%; no homozygotes.

Submissions (2):

Ambry Genetics
Classification: Uncertain significance for Inborn genetic diseases. Last evaluated: 2025-11-02. Review status: criteria provided, single submitter. Criteria: Ambry Variant Classification Scheme 2023. Collection method: clinical testing. Allele origin: germline.

Labcorp Genetics (formerly Invitae), Labcorp
Classification: Uncertain significance. Last evaluated: 2025-10-05. Review status: criteria provided, single submitter. Criteria: Invitae Variant Classification Sherloc (09022015). Collection method: clinical testing. Allele origin: germline.
Comment: This sequence change replaces aspartic acid, which is acidic and polar, with asparagine, which is neutral and polar, at codon 519 of the NFKB1 protein (p.Asp519Asn). This variant is present in population databases (rs770559726, gnomAD 0.05%). This variant has not been reported in the literature in individuals affected with NFKB1-related conditions. ClinVar contains an entry for this variant (Variation ID: 970185). Invitae Evidence Modeling of protein sequence and biophysical properties (such as structural, functional, and spatial information, amino acid conservation, physicochemical variation, residue mobility, and thermodynamic stability) indicates that this missense variant is not expected to disrupt NFKB1 protein function with a negative predictive value of 80%. In summary, the available evidence is currently insufficient to determine the role of this variant in disease. Therefore, it has been classified as a Variant of Uncertain Significance.

NM_003998.4(NFKB1):c.1555G>A (p.Asp519Asn)

Gene: NFKB1 (nuclear factor kappa B subunit 1; plus strand). Cytogenetic location: 4q24.
Variant type: single nucleotide variant.
Coding change: c.1555G>A on transcript NM_003998.4 (MANE Select); coding-DNA position 1555, G replaced by A.
Protein change: p.Asp519Asn; replaces aspartic acid 519 with asparagine.
Molecular consequence: missense variant.
Genome position (GRCh38, 1-based): chr4:102,597,579, G>A. VCF-style: chr4-102597579-G-A. GRCh37 (hg19) VCF-style: chr4-103518736-G-A.
Other names: c.1552G>A, p.Asp518Asn (NM_001165412.2, NM_001319226.2, NM_001382627.1); c.1555G>A, p.Asp519Asn (NM_001382625.1, NM_001382626.1); c.1513G>A, p.Asp505Asn (NM_001382628.1); short protein forms D518N, D505N, D519N.
Identifiers: ClinVar variation 970185 (VCV000970185.10), dbSNP rs770559726, ClinGen allele CA3026197.